The following is an entry in ClinVar:

NM_001036.6(RYR3):c.6064G>A (p.Gly2022Ser)

Gene: RYR3 (ryanodine receptor 3; plus strand). Cytogenetic location: 15q14.
Variant type: single nucleotide variant.
Coding change: c.6064G>A on transcript NM_001036.6 (MANE Select); coding-DNA position 6064, G replaced by A.
Protein change: p.Gly2022Ser; replaces glycine 2022 with serine.
Molecular consequence: missense variant.
Genome position (GRCh38, 1-based): chr15:33,696,421, G>A. VCF-style: chr15-33696421-G-A. GRCh37 (hg19) VCF-style: chr15-33988622-G-A.
Other names: c.6064G>A, p.Gly2022Ser (NM_001243996.4); short protein forms G2022S.
Identifiers: ClinVar variation 964561 (VCV000964561.9), dbSNP rs374589971, ClinGen allele CA7459431.
Genomic context (GRCh38, chr15:33,696,421, plus strand): 5'-AAGACCTACACCATCAGCCACACCTCTGTAAGCGACACCATCAACCTGCTGGCTGCCCTG[G>A]GCCAAATCCGCTCCCTCCTCAGTGTCAGGATGGGCAAGGAAGAGGAGTTGCTCATGATCA-3'
Protein context (NP_001027.3, residues 2012-2032): SDTINLLAAL[Gly2022Ser]QIRSLLSVRM

ClinVar aggregate classification (germline): Uncertain significance (1 of 4 stars; one submission).

Conditions:
Epileptic encephalopathy. Identifiers: MedGen C0543888, HP:0200134.

Allele frequency attached by ClinVar (database versions not stated): gnomAD exomes 0.00001; ExAC 0.00002; ESP Exome Variant Server 0.00008.
gnomAD v4.1: 18 of 1,613,898 alleles (0.0011%); highest among the groups gnomAD compares: Non-Finnish European, 0.0015%; no homozygotes.

Submission:

Labcorp Genetics (formerly Invitae), Labcorp
Classification: Uncertain significance for Epileptic encephalopathy. Last evaluated: 2024-06-28. Review status: criteria provided, single submitter. Criteria: Invitae Variant Classification Sherloc (09022015). Collection method: clinical testing. Allele origin: germline.
Comment: This sequence change replaces glycine, which is neutral and non-polar, with serine, which is neutral and polar, at codon 2022 of the RYR3 protein (p.Gly2022Ser). This variant is present in population databases (rs374589971, gnomAD 0.003%). This variant has not been reported in the literature in individuals affected with RYR3-related conditions. ClinVar contains an entry for this variant (Variation ID: 964561). Advanced modeling of protein sequence and biophysical properties (such as structural, functional, and spatial information, amino acid conservation, physicochemical variation, residue mobility, and thermodynamic stability) performed at Invitae indicates that this missense variant is not expected to disrupt RYR3 protein function with a negative predictive value of 80%. In summary, the available evidence is currently insufficient to determine the role of this variant in disease. Therefore, it has been classified as a Variant of Uncertain Significance.